The following is an entry in ClinVar:

NM_000540.3(RYR1):c.10204T>G (p.Cys3402Gly)

Gene: RYR1 (ryanodine receptor 1; plus strand). Cytogenetic location: 19q13.2.
Variant type: single nucleotide variant.
Coding change: c.10204T>G on transcript NM_000540.3 (MANE Select); coding-DNA position 10204, T replaced by G.
Protein change: p.Cys3402Gly; replaces cysteine 3402 with glycine.
Molecular consequence: missense variant.
Genome position (GRCh38, 1-based): chr19:38,519,399, T>G. VCF-style: chr19-38519399-T-G. GRCh37 (hg19) VCF-style: chr19-39010039-T-G.
Other names: NM_000540.3(RYR1):c.10204T>G; c.10204T>G, p.Cys3402Gly (NM_001042723.2); short protein forms C3402G.
Identifiers: ClinVar variation 42098 (VCV000042098.81), dbSNP rs367543058, ClinGen allele CA023822.

ClinVar aggregate classification (germline): Pathogenic. Review status: reviewed by expert panel (3 of 4 stars). 15 submissions from 15 submitters: Pathogenic (1). 14 of the submissions do not count toward it. Last evaluated 2025-02-10.

Conditions:
RYR1-related myopathy. Identifiers: Orphanet 98742, MedGen CN305348, MONDO:0100150.
Congenital multicore myopathy with external ophthalmoplegia (CMYO1B). Also called: MULTIMINICORE DISEASE WITH EXTERNAL OPHTHALMOPLEGIA; Minicore myopathy with external ophthalmoplegia; MULTICORE MYOPATHY; Congenital myopathy 1B, autosomal recessive; Minicore myopathy. Identifiers: Orphanet 598, Orphanet 98905, MedGen C1850674, MONDO:0009712, OMIM 255320, HP:0003789.
King Denborough syndrome (KDS). Identifiers: MedGen C1840365, MONDO:0020485, OMIM 619542.
Central core myopathy (CMYO1A). Also called: Central core disease; Myopathy, central fibrillar; CONGENITAL MYOPATHY 1A, AUTOSOMAL DOMINANT, WITH SUSCEPTIBILITY TO MALIGNANT HYPERTHERMIA. Identifiers: Orphanet 597, MedGen C5830701, MONDO:0007294, OMIM 117000.
Malignant hyperthermia, susceptibility to, 1 (MHS1). Also called: Malignant hyperthermia suceptibility 1; Anesthesia related hyperthermia; Malignant hyperpyrexia; Fulminating hyperpyrexia; Pharmacogenic myopathy; RYR1-Related Malignant Hyperthermia Susceptibility. Identifiers: Orphanet 423, MedGen C2930980, MONDO:0007783, OMIM 145600.
RYR1-related disorder. Also called: RYR1-related condition; RYR1-related disorders. Identifiers: MedGen CN239331.
Congenital myopathy with fiber type disproportion. Also called: Congenital fiber-type disproportion myopathy; Congenital fiber-type disproportion. Identifiers: Orphanet 2020, MedGen C0546264, MONDO:0009711. Inheritance: all.

Allele frequency attached by ClinVar (database versions not stated): gnomAD exomes 0.00002; ExAC 0.00003; gnomAD 0.00005; TOPMed 0.00005.
gnomAD v4.1: 111 of 1,604,074 alleles (0.0069%); highest among the groups gnomAD compares: Non-Finnish European, 0.0088%; no homozygotes.

Submissions 1 to 7 of 15:

ClinGen Congenital Myopathies Variant Curation Expert Panel, ClinGen
Classification: Pathogenic for RYR1-related myopathy. Last evaluated: 2025-02-10. Review status: reviewed by expert panel. Criteria: ClinGen CongenMyopathy ACMG Specifications RYR1 AR V2.0.0. Collection method: curation. Allele origin: germline. Inheritance: Autosomal recessive inheritance.
Comment: The NM_000540.3:c.10204T>G (p.Cys3402Gly) variant in RYR1 is a missense variant predicted to cause a substitution of cysteine by glycine at amino acid 3402. The computational predictor REVEL gives a score of 0.851, which is above the threshold for predicting a damaging effect on RYR1 variants (PP3). The highest population minor allele frequency in gnomAD v4.1.0 is 0.00006 (7/117872 alleles) in European (non-Finnish) population, which is higher than the ClinGen Congenital Myopathies VCEP threshold (≤0.00000697) for PM2_Supporting and lower than ClinGen Congenital Myopathies VCEP threshold (≥0.000697) for BS1, therefore no population criteria can be applied. The variant has been reported in trans with a second pathogenic RYR1 variant or a rare variant of uncertain significance in RYR1 in 10 probands with clinical features of congenital myopathy (PMID: 20583297; Synnovis internal data SCV001468505.1; Invitae internal data SCV000659742.9) (PM3_Very Strong). The variant along with another pathogenic variant in trans was identified in two siblings with congenital myopathy suggesting cosegregation (Invitae internal data) (PP1). In summary, this variant meets the criteria to be classified as pathogenic for autosomal recessive RYR1-related myopathy based on the ACMG/AMP criteria applied as specified by the ClinGen Congenital Myopathy VCEP: PM3_Very Strong, PP1, PP3 (ClinGen Congenital Myopathies VCEP Specifications 2.0.0; 2/10/2025).

GeneDx
Classification: Likely pathogenic. Last evaluated: 2026-09-26. Review status: criteria provided, single submitter. Criteria: GeneDx Variant Classification Process June 2021. Collection method: clinical testing. Allele origin: germline. Not counted in ClinVar's aggregate classification.
Comment: Identified in individuals who did not harbor a second RYR1 variant, who had features of congenital onset RYR1-related disease (PMID: 27854218); Not observed at significant frequency in large population cohorts (gnomAD); In silico analysis supports that this missense variant has a deleterious effect on protein structure/function; This variant is associated with the following publications: (PMID: 23069638, 20583297, 27854218)

Labcorp Genetics (formerly Invitae), Labcorp
Classification: Pathogenic for RYR1-related disorder. Last evaluated: 2025-12-31. Review status: criteria provided, single submitter. Criteria: Invitae Variant Classification Sherloc (09022015). Collection method: clinical testing. Allele origin: germline. Not counted in ClinVar's aggregate classification.
Comment: This sequence change replaces cysteine, which is neutral and slightly polar, with glycine, which is neutral and non-polar, at codon 3402 of the RYR1 protein (p.Cys3402Gly). This variant is present in population databases (rs367543058, gnomAD 0.004%). This missense change has been observed in individual(s) with autosomal recessive congenital myopathy, and congenital fiber type disproportion (PMID: 20583297, 27854218; internal data). In at least one individual the data is consistent with being in trans (on the opposite chromosome) from a pathogenic variant. It has also been observed to segregate with disease in related individuals. ClinVar contains an entry for this variant (Variation ID: 42098). Invitae Evidence Modeling of protein sequence and biophysical properties (such as structural, functional, and spatial information, amino acid conservation, physicochemical variation, residue mobility, and thermodynamic stability) indicates that this missense variant is not expected to disrupt RYR1 protein function with a negative predictive value of 80%. For these reasons, this variant has been classified as Pathogenic.

PreventionGenetics, part of Exact Sciences
Classification: Pathogenic for RYR1-related condition. Last evaluated: 2025-09-04. Review status: criteria provided, single submitter. Criteria: ACMG Guidelines, 2015. Collection method: clinical testing. Allele origin: germline. Not counted in ClinVar's aggregate classification.
Comment: The RYR1 c.10204T>G variant is predicted to result in the amino acid substitution p.Cys3402Gly. This variant has been reported in the compound heterozygous state in individuals with autosomal recessive RYR1-related myopathy (Clarke et al. 2010. PubMed ID: 20583297; Internal Data, PreventionGenetics). It has also been reported in the heterozygous state in two other individuals with congenital fiber type disproportion, with and without a second pathogenic variant (Punetha et al. 2016. PubMed ID: 27854218). This variant is reported in 0.0059% of alleles in individuals of European (non-Finnish) descent in gnomAD. This variant is classified as pathogenic by the ClinGen Congenital Myopathies Variant Curation Expert Panel and has been observed by outside laboratories with a second RYR1 variant in patients with myopathy (ClinVar ID: 42098). This variant is interpreted as pathogenic.

CeGaT Center for Human Genetics Tuebingen
Classification: Likely pathogenic. Last evaluated: 2025-03-01. Review status: criteria provided, single submitter. Criteria: CeGaT Center For Human Genetics Tuebingen Variant Classification Criteria Version 2. Collection method: clinical testing. Allele origin: germline. Affected: yes. Observed: 5 variant alleles. Not counted in ClinVar's aggregate classification.
Comment: RYR1: PM2, PM3, PP3, PP4

Revvity Omics, Revvity
Classification: Uncertain significance. Last evaluated: 2024-10-24. Review status: criteria provided, single submitter. Criteria: ACMG Guidelines, 2015. Collection method: clinical testing. Allele origin: germline. Not counted in ClinVar's aggregate classification.

Victorian Clinical Genetics Services, Murdoch Childrens Research Institute
Classification: Pathogenic for Congenital multicore myopathy with external ophthalmoplegia. Last evaluated: 2024-10-11. Review status: criteria provided, single submitter. Criteria: ACMG Guidelines, 2015. Collection method: clinical testing. Allele origin: germline. Inheritance: Autosomal recessive inheritance. Affected: yes. Not counted in ClinVar's aggregate classification.
Comment: Based on the classification scheme VCGS_Germline_v1.3.5, this variant is classified as Pathogenic. Following criteria are met: 0103 - Loss of function and gain of function are known mechanisms of disease in this gene and are associated with RYR1-related disorders (OMIM). Gain of function mechanism has been described in the context of malignant hyperthermia susceptibility 1 (MIM#145600) and autosomal dominant congenital myopathy 1A with susceptibility to malignant hyperthermia (MIM#117000). Autosomal recessive congenital myopathy 1B (MIM#255320) is associated with a loss of function mechanism (PMIDs: 27855725, 23919265). The mechanism of King-Denborough syndrome (MIM#619542) is unclear. (I) 0108 - This gene is associated with both recessive and dominant disease (OMIM). (I) 0200 - Variant is predicted to result in a missense amino acid change from cysteine to glycine. (I) 0251 - This variant is heterozygous. (I) 0304 - Variant is present in gnomAD <0.01 for a recessive condition (v4: 111 heterozygotes, 0 homozygotes). (SP) 0309 - Multiple alternative amino acid changes at the same position have been observed in gnomAD (v4) (highest allele count: 1 heterozygote, 0 homozygotes). (I) 0502 - Missense variant with conflicting in silico predictions and uninformative conservation. (I) 0604 - Variant is not located in an established domain, motif, hotspot or informative constraint region. (I) 0705 - No comparable missense variants have previous evidence for pathogenicity. (I) 0801 - This variant has strong previous evidence of pathogenicity in unrelated individuals. This variant has been classified as likely pathogenic/pathogenic by six clinical laboratories and as a VUS by three clinical laboratories in ClinVar. It has also been reported in multiple compound heterozygous individuals with features consistent with autosomal recessive congenital myopathy 1B (PMID: 20583297; personal communication) and in two heterozygous individuals with congenital fiber type disproportion that did not have a second pathogenic variant (PMID: 27854218). (SP) 1201 - Heterozygous variant detected in trans with a second pathogenic heterozygous variant (NM_000540.2:c.3899delT; p.(Phe1300Serfs*98)) in a recessive disease. (I) Legend: (SP) - Supporting pathogenic, (I) - Information, (SB) - Supporting benign